The following is an entry in ClinVar:

NM_000179.3(MSH6):c.354A>G (p.Thr118=)

Gene: MSH6 (mutS homolog 6; plus strand). Cytogenetic location: 2p16.3.
Variant type: single nucleotide variant.
Coding change: c.354A>G on transcript NM_000179.3 (MANE Select); coding-DNA position 354, A replaced by G.
Protein change: p.Thr118=; no amino-acid change (threonine 118 retained).
Molecular consequence: synonymous variant. On other transcripts: 5 prime UTR variant (2), intron variant (1).
Genome position (GRCh38, 1-based): chr2:47,791,020, A>G. VCF-style: chr2-47791020-A-G. GRCh37 (hg19) VCF-style: chr2-48018159-A-G.
Other names: c.-383A>G (NM_001281493.2); c.-549A>G (NM_001281494.2); c.237+7550A>G (NM_001281492.2).
Identifiers: ClinVar variation 215653 (VCV000215653.34), dbSNP rs558590898, ClinGen allele CA071186.

ClinVar aggregate classification (germline): Benign/Likely benign. Review status: criteria provided, multiple submitters, no conflicts (2 of 4 stars). 12 submissions from 12 submitters: Benign (1); Likely benign (10). 1 of the submissions does not count toward it. Last evaluated 2025-09-18.

Conditions:
Hereditary nonpolyposis colorectal neoplasms. Identifiers: MedGen C0009405, MeSH D003123.
Hereditary cancer-predisposing syndrome. Also called: Tumor predisposition; Hereditary neoplastic syndrome; Neoplastic Syndromes, Hereditary; Hereditary Cancer Syndrome. Identifiers: Orphanet 140162, MedGen C0027672, MeSH D009386, MONDO:0015356.
Breast and/or ovarian cancer. Identifiers: MedGen CN221562.
Lynch syndrome. Identifiers: Orphanet 144, MedGen C4552100, MONDO:0005835. Disease mechanism: loss of function.
Lynch syndrome 5 (LYNCH5). Also called: Hereditary non-polyposis colorectal cancer, type 5; Colorectal cancer, hereditary nonpolyposis, type 5. Identifiers: Orphanet 144, MedGen C1833477, MONDO:0013710, OMIM 614350. Disease mechanism: loss of function.
Carcinoma of colon (CRC). Also called: Colonic carcinoma; Colon carcinoma. Identifiers: MedGen C0699790, MONDO:0002032.

Allele frequency attached by ClinVar (database versions not stated): gnomAD 0.00003 and 0.00002; gnomAD exomes 0.00002; ExAC 0.00002; TOPMed below 0.00001; 1000 Genomes Project 30x 0.00016; 1000 Genomes Project 0.00020.
gnomAD v4.1: 36 of 1,614,216 alleles (0.0022%); highest among the groups gnomAD compares: East Asian, 0.0045%; no homozygotes.

Submissions (12):

Labcorp Genetics (formerly Invitae), Labcorp
Classification: Likely benign for Hereditary nonpolyposis colorectal neoplasms. Last evaluated: 2025-09-18. Review status: criteria provided, single submitter. Criteria: Invitae Variant Classification Sherloc (09022015). Collection method: clinical testing. Allele origin: germline.

Center for Genomic Medicine, Rigshospitalet, Copenhagen University Hospital
Classification: Likely benign. Last evaluated: 2025-03-04. Review status: criteria provided, single submitter. Criteria: ACMG Guidelines, 2015. Collection method: clinical testing. Allele origin: germline.

Myriad Genetics, Inc.
Classification: Benign for Lynch syndrome 5. Last evaluated: 2024-12-18. Review status: criteria provided, single submitter. Criteria: Myriad Autosomal Dominant, Autosomal Recessive and X-Linked Classification Criteria (2023). Collection method: clinical testing. Allele origin: unknown.
Comment: This variant is considered benign. This variant is a silent/synonymous amino acid change and it is not expected to impact splicing.

All of Us Research Program, National Institutes of Health
Classification: Likely benign for Lynch syndrome. Last evaluated: 2024-04-16. Review status: criteria provided, single submitter. Criteria: ACMG Guidelines, 2015. Collection method: clinical testing. Allele origin: germline. Inheritance: Autosomal dominant inheritance. Observed: 1 variant allele, 1 heterozygote.
Comment: This study involves interpretation of variants in research participants for the purpose of population health screening. Participant phenotype was not available at the time of variant classification. Additional details can be found in publication PMID: 35346344, PMCID: PMC8962531

CHEO Genetics Diagnostic Laboratory, Children's Hospital of Eastern Ontario
Classification: Likely benign for Breast and/or ovarian cancer. Last evaluated: 2020-01-03. Review status: criteria provided, single submitter. Criteria: ACMG Guidelines, 2015. Collection method: clinical testing. Allele origin: germline.

GeneDx
Classification: Likely benign. Last evaluated: 2018-07-09. Review status: criteria provided, single submitter. Criteria: GeneDx Variant Classification Process June 2021. Collection method: clinical testing. Allele origin: germline. Affected: yes.

Quest Diagnostics Nichols Institute San Juan Capistrano
Classification: Likely benign. Last evaluated: 2018-04-13. Review status: criteria provided, single submitter. Criteria: Quest Diagnostics criteria. Collection method: clinical testing. Allele origin: germline.

ARUP Laboratories, Molecular Genetics and Genomics, ARUP Laboratories
Classification: Likely benign. Last evaluated: 2017-06-23. Review status: criteria provided, single submitter. Criteria: ARUP Molecular Germline Variant Investigation Process. Collection method: clinical testing. Allele origin: germline.

Laboratory for Molecular Medicine, Mass General Brigham Personalized Medicine
Classification: Likely benign. Last evaluated: 2016-10-26. Review status: criteria provided, single submitter. Criteria: LMM Criteria. Collection method: clinical testing. Allele origin: germline.
Comment: Variant identified in a genome or exome case(s) and assessed due to predicted null impact of the variant or pathogenic assertions in the literature or databases. Disclaimer: This variant has not undergone full assessment. The following are preliminary notes: Silent variant. MaxMAF = 0.012% in ExAC. Classified in ClinVar as Likely Benign by Invitae (1 star).

Ambry Genetics
Classification: Likely benign for Hereditary cancer-predisposing syndrome. Last evaluated: 2016-06-29. Review status: criteria provided, single submitter. Criteria: Ambry Variant Classification Scheme 2023. Collection method: clinical testing. Allele origin: germline.

Color Diagnostics, LLC DBA Color Health
Classification: Likely benign for Hereditary cancer-predisposing syndrome. Last evaluated: 2016-04-28. Review status: criteria provided, single submitter. Criteria: ACMG Guidelines, 2015. Collection method: clinical testing. Allele origin: germline.

Department of Pathology and Laboratory Medicine, Sinai Health System
Classification: Likely benign for Carcinoma of colon. Review status: no assertion criteria provided. Collection method: clinical testing. Allele origin: unknown. Affected: yes. Study: The Canadian Open Genetics Repository (COGR). Not counted in ClinVar's aggregate classification.
Comment: The MSH6 p.Thr118= variant was not identified in the literature nor was it identified in the COGR, Cosmic, MutDB, UMD-LSDB, Insight Colon Cancer Gene Variant Database, Zhejiang Colon Cancer Database, Mismatch Repair Genes Variant Database, or Insight Hereditary Tumors databases. The variant was identified in dbSNP (ID: rs558590898) as â€šÃ„ÃºWith Likely benign alleleâ€šÃ„Ã¹, ClinVar (as likely benign by Invitae, Partners HealthCare Personalized Medicine, Ambry Genetics, and Color), and Clinvitae (3x). The variant was identified in control databases in 4 of 246272 chromosomes at a frequency of 0.00002 (Genome Aggregation Database Feb 27, 2017). The variant was observed in the following populations: African in 1 of 15304 chromosomes (freq: 0.00007), European (Non-Finnish) in 2 of 111720 chromosomes (freq: 0.00002), and East Asian in 1 of 17248 chromosomes (freq: 0.000058); it was not observed in the Other, Latino, Ashkenazi Jewish, Finnish, and South Asian populations. The p.Thr118= variant is not expected to have clinical significance because it does not result in a change of amino acid and is not located in a known consensus splice site. In addition, in silico or computational prediction software programs (SpliceSiteFinder, MaxEntScan, NNSPLICE, GeneSplicer, HumanSpliceFinder) do not predict a difference in splicing. In summary, based on the above information the clinical significance of this variant cannot be determined with certainty at this time although we would lean towards a more benign role for this variant. This variant is classified as likely benign.